The following is an entry in ClinVar:

ClinVar aggregate classification (germline): Uncertain significance. Review status: criteria provided, multiple submitters, no conflicts (2 of 4 stars). 2 submissions from 2 submitters: Uncertain significance (2). Last evaluated 2026-01-23.

Submissions (2):

GeneDx
Classification: Uncertain significance. Last evaluated: 2026-01-23. Review status: criteria provided, single submitter. Criteria: GeneDx Variant Classification Process June 2021. Collection method: clinical testing. Allele origin: germline.
Comment: Not observed at significant frequency in large population cohorts (gnomAD); In silico analysis supports that this missense variant does not alter protein structure/function; Has not been previously published as pathogenic or benign to our knowledge

Labcorp Genetics (formerly Invitae), Labcorp
Classification: Uncertain significance. Last evaluated: 2023-05-29. Review status: criteria provided, single submitter. Criteria: Invitae Variant Classification Sherloc (09022015). Collection method: clinical testing. Allele origin: germline.
Comment: ClinVar contains an entry for this variant (Variation ID: 1810427). This variant has not been reported in the literature in individuals affected with SETD5-related conditions. This variant is not present in population databases (gnomAD no frequency). This sequence change replaces proline, which is neutral and non-polar, with serine, which is neutral and polar, at codon 192 of the SETD5 protein (p.Pro192Ser). Advanced modeling of protein sequence and biophysical properties (such as structural, functional, and spatial information, amino acid conservation, physicochemical variation, residue mobility, and thermodynamic stability) performed at Invitae indicates that this missense variant is not expected to disrupt SETD5 protein function. In summary, the available evidence is currently insufficient to determine the role of this variant in disease. Therefore, it has been classified as a Variant of Uncertain Significance.

NM_001080517.3(SETD5):c.574C>T (p.Pro192Ser)

Gene: SETD5 (SET domain containing 5; plus strand). Cytogenetic location: 3p25.3.
Variant type: single nucleotide variant.
Coding change: c.574C>T on transcript NM_001080517.3 (MANE Select); coding-DNA position 574, C replaced by T.
Protein change: p.Pro192Ser; replaces proline 192 with serine.
Molecular consequence: missense variant.
Genome position (GRCh38, 1-based): chr3:9,440,462, C>T. VCF-style: chr3-9440462-C-T. GRCh37 (hg19) VCF-style: chr3-9482146-C-T.
Other names: c.280C>T, p.Pro94Ser (NM_001292043.2, NM_001349451.2); short protein forms P192S, P94S.
Identifiers: ClinVar variation 1810427 (VCV001810427.5), dbSNP rs536577273, ClinGen allele CA351686896.